The following is an entry in ClinVar:

ClinVar aggregate classification (germline): Benign. Review status: criteria provided, multiple submitters, no conflicts (2 of 4 stars). 2 submissions from 2 submitters: Benign (2). Last evaluated 2018-06-14.

Allele frequency attached by ClinVar (database versions not stated): 1000 Genomes Project 30x 0.69394; 1000 Genomes Project 0.77636; gnomAD 0.82438 and 0.83287; TOPMed 0.84290.

Submissions (2):

GeneDx
Classification: Benign. Last evaluated: 2018-06-14. Review status: criteria provided, single submitter. Criteria: GeneDx Variant Classification (06012015). Collection method: clinical testing. Allele origin: germline. Affected: yes.
Comment: This variant is considered likely benign or benign based on one or more of the following criteria: it is a conservative change, it occurs at a poorly conserved position in the protein, it is predicted to be benign by multiple in silico algorithms, and/or has population frequency not consistent with disease.

Breakthrough Genomics
Classification: Benign. Review status: criteria provided, single submitter. Criteria: ACMG Guidelines, 2015. Collection method: not provided. Allele origin: germline. Inheritance: Autosomal recessive inheritance. Affected: yes.

NM_001985.3(ETFB):c.217-75A>G

Gene: ETFB (electron transfer flavoprotein subunit beta; minus strand). Cytogenetic location: 19q13.41.
Variant type: single nucleotide variant.
Coding change: c.217-75A>G on transcript NM_001985.3 (MANE Select); 75 bases into the intron before coding-DNA position 217, A replaced by G.
Molecular consequence: intron variant.
Genome position (GRCh38, 1-based): chr19:51,353,365, T>C on the plus strand (A>G on the coding strand, the complement: ETFB is on the minus strand). VCF-style: chr19-51353365-T-C. GRCh37 (hg19) VCF-style: chr19-51856619-T-C.
Other names: c.490-75A>G (NM_001014763.1).
Identifiers: ClinVar variation 676121 (VCV000676121.2), dbSNP rs2004309, ClinGen allele CA14678244.